The following is an entry in ClinVar:

NM_032043.3(BRIP1):c.3365A>G (p.Glu1122Gly)

Gene: BRIP1 (BRCA1 interacting DNA helicase 1; minus strand). Cytogenetic location: 17q23.2.
Variant type: single nucleotide variant.
Coding change: c.3365A>G on transcript NM_032043.3 (MANE Select); coding-DNA position 3365, A replaced by G.
Protein change: p.Glu1122Gly; replaces glutamic acid 1122 with glycine.
Molecular consequence: missense variant.
Genome position (GRCh38, 1-based): chr17:61,683,681, T>C on the plus strand (A>G on the coding strand, the complement: BRIP1 is on the minus strand). VCF-style: chr17-61683681-T-C. GRCh37 (hg19) VCF-style: chr17-59761042-T-C.
Other names: c.3365A>G (NM_032043.2); short protein forms E1122G.
Identifiers: ClinVar variation 1470182 (VCV001470182.8), dbSNP rs2144078743, ClinGen allele CA400478886.

ClinVar aggregate classification (germline): Uncertain significance. Review status: criteria provided, multiple submitters, no conflicts (2 of 4 stars). 2 submissions from 2 submitters: Uncertain significance (2). Last evaluated 2024-08-01.

Conditions:
Hereditary cancer-predisposing syndrome. Also called: Neoplastic Syndromes, Hereditary; Hereditary Cancer Syndrome; Tumor predisposition; Hereditary neoplastic syndrome. Identifiers: Orphanet 140162, MedGen C0027672, MeSH D009386, MONDO:0015356.
Familial cancer of breast. Also called: Hereditary breast cancer; BREAST CANCER, FAMILIAL; hereditary breast carcinoma. Identifiers: Orphanet 227535, MedGen C0346153, MONDO:0016419, OMIM 114480. Disease mechanism: loss of function.
Fanconi anemia complementation group J. Also called: BRIP1-Related Fanconi Anemia. Identifiers: Orphanet 84, MedGen C1836860, MONDO:0012187, OMIM 609054.

Submissions (2):

Ambry Genetics
Classification: Uncertain significance for Hereditary cancer-predisposing syndrome. Last evaluated: 2024-08-01. Review status: criteria provided, single submitter. Criteria: Ambry Variant Classification Scheme 2023. Collection method: clinical testing. Allele origin: germline.
Comment: The p.E1122G variant (also known as c.3365A>G), located in coding exon 19 of the BRIP1 gene, results from an A to G substitution at nucleotide position 3365. The glutamic acid at codon 1122 is replaced by glycine, an amino acid with similar properties. This amino acid position is conserved. In addition, this alteration is predicted to be tolerated by in silico analysis. Based on the available evidence, the clinical significance of this variant remains unclear.

Labcorp Genetics (formerly Invitae), Labcorp
Classification: Uncertain significance for Familial cancer of breast; Fanconi anemia complementation group J. Last evaluated: 2021-11-12. Review status: criteria provided, single submitter. Criteria: Invitae Variant Classification Sherloc (09022015). Collection method: clinical testing. Allele origin: germline.
Comment: In summary, the available evidence is currently insufficient to determine the role of this variant in disease. Therefore, it has been classified as a Variant of Uncertain Significance. Algorithms developed to predict the effect of missense changes on protein structure and function output the following: SIFT: "Tolerated"; PolyPhen-2: "Benign"; Align-GVGD: "Class C0". The glycine amino acid residue is found in multiple mammalian species, which suggests that this missense change does not adversely affect protein function. This variant has not been reported in the literature in individuals affected with BRIP1-related conditions. This variant is not present in population databases (gnomAD no frequency). This sequence change replaces glutamic acid, which is acidic and polar, with glycine, which is neutral and non-polar, at codon 1122 of the BRIP1 protein (p.Glu1122Gly).